The following is an entry in ClinVar:

ClinVar aggregate classification (germline): Uncertain significance (1 of 4 stars; one submission).

Submission:

Labcorp Genetics (formerly Invitae), Labcorp
Classification: Uncertain significance. Last evaluated: 2023-12-21. Review status: criteria provided, single submitter. Criteria: Invitae Variant Classification Sherloc (09022015). Collection method: clinical testing. Allele origin: unknown.
Comment: This variant results in a copy number gain of the genomic region encompassing exon(s) 1 of the COL4A1 gene. This region includes the initiator codon of the gene. This copy number gain extends beyond the assayed region for this gene and therefore may encompass additional genes. As the precise location of this event is unknown, it may be in tandem or it may be located elsewhere in the genome. This variant has not been reported in the literature in individuals affected with COL4A1-related conditions. In summary, the available evidence is currently insufficient to determine the role of this variant in disease. Therefore, it has been classified as a Variant of Uncertain Significance.

NC_000013.10:g.(?_110959271)_(110960712_?)dup

Genes: COL4A1 (collagen type IV alpha 1 chain; minus strand), COL4A2 (collagen type IV alpha 2 chain; plus strand). Cytogenetic location: 13q34.
Variant type: Duplication.
Identifiers: ClinVar variation 3244207 (VCV003244207.1).